The following is an entry in ClinVar:

NM_012431.3(SEMA3E):c.2117C>T (p.Ala706Val)

Gene: SEMA3E (semaphorin 3E; minus strand). Cytogenetic location: 7q21.11.
Variant type: single nucleotide variant.
Coding change: c.2117C>T on transcript NM_012431.3 (MANE Select); coding-DNA position 2117, C replaced by T.
Protein change: p.Ala706Val; replaces alanine 706 with valine.
Molecular consequence: missense variant.
Genome position (GRCh38, 1-based): chr7:83,367,797, G>A on the plus strand (C>T on the coding strand, the complement: SEMA3E is on the minus strand). VCF-style: chr7-83367797-G-A. GRCh37 (hg19) VCF-style: chr7-82997113-G-A.
Other names: c.1937C>T, p.Ala646Val (NM_001178129.2); short protein forms A646V, A706V.
Identifiers: ClinVar variation 5002544 (VCV005002544.1).
Genomic context (GRCh38, chr7:83,367,797, plus strand): 5'-TCCACTCTCTGGAAGTTGCTATAACCGATCAGCTGCAAGAATTCCTTGTACCATGGTTTT[G>A]CTCCCTGCGAGATGCTACTCTGAGCAGGACAAGGCATCCTGTGATGCCTGTCCTCCTCAT-3'
Protein context (NP_036563.1, residues 696-716): CPAQSSISQG[Ala706Val]KPWYKEFLQL

ClinVar aggregate classification (germline): Uncertain significance (1 of 4 stars; one submission).

Conditions:
SEMA3E-related disorder. Also called: SEMA3E-related condition.

Submission:

PreventionGenetics, part of Exact Sciences
Classification: Uncertain significance for SEMA3E-related condition. Last evaluated: 2024-11-23. Review status: criteria provided, single submitter. Criteria: ACMG Guidelines, 2015. Collection method: clinical testing. Allele origin: germline.
Comment: The SEMA3E c.2117C>T variant is predicted to result in the amino acid substitution p.Ala706Val. To our knowledge, this variant has not been reported in the literature or in a large population database (gnomAD), indicating this variant is rare. At this time, the clinical significance of this variant is uncertain due to the absence of conclusive functional and genetic evidence.